The following is an entry in ClinVar:

ClinVar aggregate classification (germline): Uncertain significance (1 of 4 stars; one submission).

Conditions:
Familial thoracic aortic aneurysm and aortic dissection (TAAD). Also called: Thoracic aortic aneurysms and dissections. Identifiers: Orphanet 91387, MedGen C4707243, MONDO:0019625.

Submission:

Ambry Genetics
Classification: Uncertain significance for Familial thoracic aortic aneurysm and aortic dissection. Last evaluated: 2026-01-12. Review status: criteria provided, single submitter. Criteria: Ambry Variant Classification Scheme 2023. Collection method: clinical testing. Allele origin: germline.
Comment: The p.A362S variant (also known as c.1084G>T), located in coding exon 9 of the FBN1 gene, results from a G to T substitution at nucleotide position 1084. The alanine at codon 362 is replaced by serine, an amino acid with similar properties. This amino acid position is conserved. In addition, this alteration is predicted to be tolerated by in silico analysis. Based on the available evidence, the clinical significance of this variant remains unclear.

NM_000138.5(FBN1):c.1084G>T (p.Ala362Ser)

Genes: FBN1 (fibrillin 1; minus strand), LOC113939944 (Sharpr-MPRA regulatory region 9539; plus strand). Cytogenetic location: 15q21.1.
Variant type: single nucleotide variant.
Coding change: c.1084G>T on transcript NM_000138.5 (MANE Select); coding-DNA position 1084, G replaced by T.
Protein change: p.Ala362Ser; replaces alanine 362 with serine.
Molecular consequence: missense variant.
Genome position (GRCh38, 1-based): chr15:48,520,722, C>A on the plus strand (G>T on the coding strand, the complement: FBN1 is on the minus strand). VCF-style: chr15-48520722-C-A. GRCh37 (hg19) VCF-style: chr15-48812919-C-A.
Other names: c.1084G>T, p.Ala362Ser (NM_001406716.1); short protein forms A362S.
Identifiers: ClinVar variation 4843840 (VCV004843840.1).